The following is an entry in ClinVar:

NM_000426.4(LAMA2):c.1191del (p.Phe398fs)

Gene: LAMA2 (laminin subunit alpha 2; plus strand). Cytogenetic location: 6q22.33.
Variant type: Deletion.
Coding change: c.1191del on transcript NM_000426.4 (MANE Select); coding-DNA position 1191, one base deleted (C; older notation c.1191delC).
Protein change: p.Phe398fs; shifts the reading frame from phenylalanine 398.
Molecular consequence: frameshift variant.
Genome position (GRCh38, 1-based): chr6:129,154,668, C deleted. VCF-style (leftmost placement, unchanged base first): chr6-129154667-TC-T. GRCh37 (hg19) VCF-style: chr6-129475812-TC-T.
Other names: c.1191del, p.Phe398fs (NM_001079823.2); short protein forms F398fs.
Identifiers: ClinVar variation 5014289 (VCV005014289.1).

ClinVar aggregate classification (germline): Pathogenic (1 of 4 stars; one submission).

Conditions:
LAMA2-related muscular dystrophy (LAMA2-RD). Also called: Laminin alpha 2-related dystrophy. Identifiers: MedGen C5679788, MONDO:0100228.

Submission:

Myriad Genetics, Inc.
Classification: Pathogenic for LAMA2-related muscular dystrophy. Last evaluated: 2025-04-01. Review status: criteria provided, single submitter. Criteria: Myriad Autosomal Dominant, Autosomal Recessive and X-Linked Classification Criteria (2023). Collection method: clinical testing. Allele origin: unknown.
Comment: NM_000426.3(LAMA2):c.1191delC(F398Sfs*25) is expected to be pathogenic in the context of muscular dystrophy, LAMA2-related. This variant is predicted to lead to an abnormal or absent protein product due to the creation of a premature termination codon in LAMA2, a gene where loss-of-function variants are known to be pathogenic. Please note: this variant was assessed in the context of healthy population screening.